The following is an entry in ClinVar:

ClinVar aggregate classification (germline): Likely benign (0 of 4 stars; one submission).

Conditions:
SEPTIN12-related disorder. Also called: SEPTIN12-related condition.

Allele frequency attached by ClinVar (database versions not stated): gnomAD exomes 0.00007; ExAC 0.00021; ESP Exome Variant Server 0.00062; gnomAD 0.00062; TOPMed 0.00076; 1000 Genomes Project 0.00080; 1000 Genomes Project 30x 0.00094.
gnomAD v4.1: 190 of 1,614,116 alleles (0.012%); highest among the groups gnomAD compares: African/African-American, 0.23%; no homozygotes.

Submission:

PreventionGenetics, part of Exact Sciences
Classification: Likely benign for SEPTIN12-related condition. Last evaluated: 2019-07-16. Review status: no assertion criteria provided. Collection method: clinical testing. Allele origin: germline.
Comment: This variant is classified as likely benign based on ACMG/AMP sequence variant interpretation guidelines (Richards et al. 2015 PMID: 25741868, with internal and published modifications).

NM_144605.5(SEPTIN12):c.506G>A (p.Gly169Glu)

Gene: SEPTIN12 (septin 12; minus strand). Cytogenetic location: 16p13.3.
Variant type: single nucleotide variant.
Coding change: c.506G>A on transcript NM_144605.5 (MANE Select); coding-DNA position 506, G replaced by A.
Protein change: p.Gly169Glu; replaces glycine 169 with glutamic acid.
Molecular consequence: missense variant. On other transcripts: intron variant (1).
Genome position (GRCh38, 1-based): chr16:4,783,937, C>T on the plus strand (G>A on the coding strand, the complement: SEPTIN12 is on the minus strand). VCF-style: chr16-4783937-C-T. GRCh37 (hg19) VCF-style: chr16-4833938-C-T.
Other names: c.375-171G>A (NM_001154458.3); short protein forms G169E.
Identifiers: ClinVar variation 3050551 (VCV003050551.2), dbSNP rs138628476, ClinGen allele CA7882059.